The following is an entry in ClinVar:

ClinVar aggregate classification (germline): Uncertain significance. Review status: criteria provided, multiple submitters, no conflicts (2 of 4 stars). 2 submissions from 2 submitters: Uncertain significance (2). Last evaluated 2024-12-04.

Conditions:
Hereditary spastic paraplegia 62. Also called: Spastic paraplegia 62, autosomal recessive. Identifiers: Orphanet 401785, MedGen C4284588, MONDO:0014302, OMIM 615681.

Allele frequency attached by ClinVar (database versions not stated): gnomAD exomes below 0.00001; gnomAD 0.00001; TOPMed 0.00002.
gnomAD v4.1: 6 of 1,560,470 alleles (0.00038%); highest among the groups gnomAD compares: African/African-American, 0.0041%; no homozygotes.

Submissions (2):

Ambry Genetics
Classification: Uncertain significance. Last evaluated: 2024-12-04. Review status: criteria provided, single submitter. Criteria: Ambry Variant Classification Scheme 2023. Collection method: clinical testing. Allele origin: germline.

Labcorp Genetics (formerly Invitae), Labcorp
Classification: Uncertain significance for Hereditary spastic paraplegia 62. Last evaluated: 2024-01-15. Review status: criteria provided, single submitter. Criteria: Invitae Variant Classification Sherloc (09022015). Collection method: clinical testing. Allele origin: germline.
Comment: This sequence change replaces lysine, which is basic and polar, with glutamic acid, which is acidic and polar, at codon 151 of the ERLIN1 protein (p.Lys151Glu). This variant is not present in population databases (gnomAD no frequency). This variant has not been reported in the literature in individuals affected with ERLIN1-related conditions. ClinVar contains an entry for this variant (Variation ID: 1512511). Advanced modeling of protein sequence and biophysical properties (such as structural, functional, and spatial information, amino acid conservation, physicochemical variation, residue mobility, and thermodynamic stability) performed at Invitae indicates that this missense variant is not expected to disrupt ERLIN1 protein function with a negative predictive value of 80%. In summary, the available evidence is currently insufficient to determine the role of this variant in disease. Therefore, it has been classified as a Variant of Uncertain Significance.

NM_006459.4(ERLIN1):c.451A>G (p.Lys151Glu)

Gene: ERLIN1 (ER lipid raft associated 1; minus strand). Cytogenetic location: 10q24.31.
Variant type: single nucleotide variant.
Coding change: c.451A>G on transcript NM_006459.4 (MANE Select); coding-DNA position 451, A replaced by G.
Protein change: p.Lys151Glu; replaces lysine 151 with glutamic acid.
Molecular consequence: missense variant. On other transcripts: 5 prime UTR variant (1), non-coding transcript variant (6).
Genome position (GRCh38, 1-based): chr10:100,174,261, T>C on the plus strand (A>G on the coding strand, the complement: ERLIN1 is on the minus strand). VCF-style: chr10-100174261-T-C. GRCh37 (hg19) VCF-style: chr10-101934018-T-C.
Other names: c.451A>G (NM_006459.3); c.451A>G, p.Lys151Glu (NM_001100626.2, NM_001347857.2, NM_001347859.2 and 2 more transcripts); c.199A>G, p.Lys67Glu (NM_001347856.2); c.-30A>G (NM_001347858.2); short protein forms K151E, K67E.
Identifiers: ClinVar variation 1512511 (VCV001512511.7), dbSNP rs1212995006, ClinGen allele CA378154504.